The following is an entry in ClinVar:

NM_001127222.2(CACNA1A):c.324C>G (p.Ile108Met)

Gene: CACNA1A (calcium voltage-gated channel subunit alpha1 A; minus strand). Cytogenetic location: 19p13.13.
Variant type: single nucleotide variant.
Coding change: c.324C>G on transcript NM_001127222.2 (MANE Select); coding-DNA position 324, C replaced by G.
Protein change: p.Ile108Met; replaces isoleucine 108 with methionine.
Molecular consequence: missense variant.
Genome position (GRCh38, 1-based): chr19:13,455,182, G>C on the plus strand (C>G on the coding strand, the complement: CACNA1A is on the minus strand). VCF-style: chr19-13455182-G-C. GRCh37 (hg19) VCF-style: chr19-13565996-G-C.
Other names: c.324C>G, p.Ile108Met (NM_000068.4, NM_001127221.2, NM_001174080.2 and 1 more transcripts); short protein forms I108M.
Identifiers: ClinVar variation 1053039 (VCV001053039.11), dbSNP rs2144947382, ClinGen allele CA404967904.

ClinVar aggregate classification (germline): Uncertain significance (1 of 4 stars; one submission).

Conditions:
Developmental and epileptic encephalopathy, 42 (DEE42A). Also called: DEVELOPMENTAL AND EPILEPTIC ENCEPHALOPATHY 42A; EPILEPTIC ENCEPHALOPATHY, EARLY INFANTILE, 42A; Epileptic encephalopathy, early infantile, 42. Identifiers: MedGen C4310716, MONDO:0014917, OMIM 617106.
Episodic ataxia type 2 (EA2). Also called: CEREBELLAR ATAXIA, PAROXYSMAL, ACETAZOLAMIDE-RESPONSIVE; CEREBELLOPATHY, HEREDITARY PAROXYSMAL; EPISODIC ATAXIA, NYSTAGMUS-ASSOCIATED; ACETAZOLAMIDE-RESPONSIVE HEREDITARY PAROXYSMAL CEREBELLAR ATAXIA; ATAXIA, EPISODIC, WITH NYSTAGMUS; ATAXIA, FAMILIAL PAROXYSMAL. Identifiers: Orphanet 97, MedGen C1720416, MONDO:0007163, OMIM 108500.

Submission:

Labcorp Genetics (formerly Invitae), Labcorp
Classification: Uncertain significance for Developmental and epileptic encephalopathy, 42; Episodic ataxia type 2. Last evaluated: 2020-01-20. Review status: criteria provided, single submitter. Criteria: Invitae Variant Classification Sherloc (09022015). Collection method: clinical testing. Allele origin: germline.
Comment: In summary, the available evidence is currently insufficient to determine the role of this variant in disease. Therefore, it has been classified as a Variant of Uncertain Significance. Algorithms developed to predict the effect of missense changes on protein structure and function are either unavailable or do not agree on the potential impact of this missense change (SIFT: "Deleterious"; PolyPhen-2: "Probably Damaging"; Align-GVGD: "Class C0"). This variant has not been reported in the literature in individuals with CACNA1A-related conditions. This variant is not present in population databases (ExAC no frequency). This sequence change replaces isoleucine with methionine at codon 108 of the CACNA1A protein (p.Ile108Met). The isoleucine residue is highly conserved and there is a small physicochemical difference between isoleucine and methionine.